The following is an entry in ClinVar:

ClinVar aggregate classification (germline): Uncertain significance. Review status: criteria provided, single submitter (1 of 4 stars). 2 submissions from 2 submitters: Uncertain significance (1). 1 of the submissions does not count toward it. Last evaluated 2022-07-25.

Conditions:
Zellweger spectrum disorders (ZS). Also called: Zellweger Spectrum Disorder; Zellweger Spectrum; Zellweger Spectrum Disorder (ZSD); Zellweger syndrome. Identifiers: Orphanet 912, MedGen C0043459, MONDO:0019609.
Peroxisome biogenesis disorder, complementation group 7 (CG7). Also called: Peroxisome biogenesis disorder, complementation group B. Identifiers: MedGen C1864399.

Allele frequency attached by ClinVar (database versions not stated): 1000 Genomes Project 30x 0.00016; 1000 Genomes Project 0.00020.

Submissions (2):

Labcorp Genetics (formerly Invitae), Labcorp
Classification: Uncertain significance for Peroxisome biogenesis disorder, complementation group 7. Last evaluated: 2022-07-25. Review status: criteria provided, single submitter. Criteria: Invitae Variant Classification Sherloc (09022015). Collection method: clinical testing. Allele origin: germline.
Comment: This sequence change replaces arginine, which is basic and polar, with cysteine, which is neutral and slightly polar, at codon 222 of the PEX10 protein (p.Arg222Cys). The frequency data for this variant in the population databases is considered unreliable, as metrics indicate poor data quality at this position in the gnomAD database. This variant has not been reported in the literature in individuals affected with PEX10-related conditions. ClinVar contains an entry for this variant (Variation ID: 1059425). Algorithms developed to predict the effect of missense changes on protein structure and function (SIFT, PolyPhen-2, Align-GVGD) all suggest that this variant is likely to be tolerated. Algorithms developed to predict the effect of sequence changes on RNA splicing suggest that this variant may create or strengthen a splice site. In summary, the available evidence is currently insufficient to determine the role of this variant in disease. Therefore, it has been classified as a Variant of Uncertain Significance.

Natera, Inc.
Classification: Uncertain significance for Zellweger syndrome. Last evaluated: 2020-08-31. Review status: no assertion criteria provided. Collection method: clinical testing. Allele origin: germline. Not counted in ClinVar's aggregate classification.

NM_002617.4(PEX10):c.604C>T (p.Arg202Cys)

Gene: PEX10 (peroxisomal biogenesis factor 10; minus strand). Cytogenetic location: 1p36.32.
Variant type: single nucleotide variant.
Coding change: c.604C>T on transcript NM_002617.4 (MANE Select); coding-DNA position 604, C replaced by T.
Protein change: p.Arg202Cys; replaces arginine 202 with cysteine.
Molecular consequence: missense variant. On other transcripts: non-coding transcript variant (1).
Genome position (GRCh38, 1-based): chr1:2,406,892, G>A on the plus strand (C>T on the coding strand, the complement: PEX10 is on the minus strand). VCF-style: chr1-2406892-G-A. GRCh37 (hg19) VCF-style: chr1-2338331-G-A.
Other names: c.661C>T, p.Arg221Cys (NM_001374425.1); c.229C>T, p.Arg77Cys (NM_001374426.1); c.172C>T, p.Arg58Cys (NM_001374427.1); c.664C>T, p.Arg222Cys (NM_153818.2); short protein forms R202C, R221C, R222C, R58C, R77C.
Identifiers: ClinVar variation 1059425 (VCV001059425.3), dbSNP rs149615608, ClinGen allele CA538093.